The following is an entry in ClinVar:

ClinVar aggregate classification (germline): Likely benign. Review status: criteria provided, multiple submitters, no conflicts (2 of 4 stars). 2 submissions from 2 submitters: Likely benign (2). Last evaluated 2023-12-29.

Allele frequency attached by ClinVar (database versions not stated): gnomAD 0.00001; gnomAD exomes 0.00001 and 0.00002; TOPMed 0.00003; ExAC below 0.00001.
gnomAD v4.1: 20 of 1,564,080 alleles (0.0013%); highest among the groups gnomAD compares: Middle Eastern, 0.033%; no homozygotes.

Submissions (2):

Labcorp Genetics (formerly Invitae), Labcorp
Classification: Likely benign. Last evaluated: 2023-12-29. Review status: criteria provided, single submitter. Criteria: Invitae Variant Classification Sherloc (09022015). Collection method: clinical testing. Allele origin: germline.

GeneDx
Classification: Likely benign. Last evaluated: 2018-01-18. Review status: criteria provided, single submitter. Criteria: GeneDx Variant Classification (06012015). Collection method: clinical testing. Allele origin: germline. Affected: yes.
Comment: This variant is considered likely benign or benign based on one or more of the following criteria: it is a conservative change, it occurs at a poorly conserved position in the protein, it is predicted to be benign by multiple in silico algorithms, and/or has population frequency not consistent with disease.

NM_024407.5(NDUFS7):c.544+9G>A

Gene: NDUFS7 (NADH:ubiquinone oxidoreductase core subunit S7; plus strand). Cytogenetic location: 19p13.3.
Variant type: single nucleotide variant.
Coding change: c.544+9G>A on transcript NM_024407.5 (MANE Select); 9 bases into the intron after coding-DNA position 544, G replaced by A.
Molecular consequence: intron variant.
Genome position (GRCh38, 1-based): chr19:1,393,339, G>A. VCF-style: chr19-1393339-G-A. GRCh37 (hg19) VCF-style: chr19-1393338-G-A.
Other names: c.544+9G>A (NM_001363602.2).
Identifiers: ClinVar variation 514435 (VCV000514435.4), dbSNP rs756896939, ClinGen allele CA9043427.